The following is an entry in ClinVar:

ClinVar aggregate classification (germline): Uncertain significance (1 of 4 stars; one submission).

Submission:

Labcorp Genetics (formerly Invitae), Labcorp
Classification: Uncertain significance. Last evaluated: 2025-03-10. Review status: criteria provided, single submitter. Criteria: Invitae Variant Classification Sherloc (09022015). Collection method: clinical testing. Allele origin: germline.
Comment: This sequence change replaces leucine, which is neutral and non-polar, with valine, which is neutral and non-polar, at codon 1450 of the SNRNP200 protein (p.Leu1450Val). This variant is not present in population databases (gnomAD no frequency). This variant has not been reported in the literature in individuals affected with SNRNP200-related conditions. Invitae Evidence Modeling of protein sequence and biophysical properties (such as structural, functional, and spatial information, amino acid conservation, physicochemical variation, residue mobility, and thermodynamic stability) indicates that this missense variant is not expected to disrupt SNRNP200 protein function with a negative predictive value of 95%. In summary, the available evidence is currently insufficient to determine the role of this variant in disease. Therefore, it has been classified as a Variant of Uncertain Significance.

NM_014014.5(SNRNP200):c.4348C>G (p.Leu1450Val)

Gene: SNRNP200 (small nuclear ribonucleoprotein U5 subunit 200; minus strand). Cytogenetic location: 2q11.2.
Variant type: single nucleotide variant.
Coding change: c.4348C>G on transcript NM_014014.5 (MANE Select); coding-DNA position 4348, C replaced by G.
Protein change: p.Leu1450Val; replaces leucine 1450 with valine.
Molecular consequence: missense variant.
Genome position (GRCh38, 1-based): chr2:96,284,402, G>C on the plus strand (C>G on the coding strand, the complement: SNRNP200 is on the minus strand). VCF-style: chr2-96284402-G-C. GRCh37 (hg19) VCF-style: chr2-96950140-G-C.
Other names: short protein forms L1450V.
Identifiers: ClinVar variation 4691672 (VCV004691672.1).